The following is an entry in ClinVar:

ClinVar aggregate classification (germline): Uncertain significance. Review status: criteria provided, multiple submitters, no conflicts (2 of 4 stars). 2 submissions from 2 submitters: Uncertain significance (2). Last evaluated 2025-08-05.

Allele frequency attached by ClinVar (database versions not stated): TOPMed 0.00020.
gnomAD v4.1: 16 of 1,612,380 alleles (0.00099%); highest among the groups gnomAD compares: Admixed American, 0.017%; no homozygotes.

Submissions (2):

GeneDx
Classification: Uncertain significance. Last evaluated: 2025-08-05. Review status: criteria provided, single submitter. Criteria: GeneDx Variant Classification Process June 2021. Collection method: clinical testing. Allele origin: germline. Affected: yes.
Comment: Not observed at significant frequency in large population cohorts (gnomAD); In silico analysis suggests that this missense variant does not alter protein structure/function; Has not been previously published as pathogenic or benign to our knowledge

Ambry Genetics
Classification: Uncertain significance. Last evaluated: 2025-07-02. Review status: criteria provided, single submitter. Criteria: Ambry Variant Classification Scheme 2023. Collection method: clinical testing. Allele origin: germline.

NM_001024383.2(NAV3):c.5989G>A (p.Val1997Met)

Gene: NAV3 (neuron navigator 3; plus strand). Cytogenetic location: 12q21.2.
Variant type: single nucleotide variant.
Coding change: c.5989G>A on transcript NM_001024383.2 (MANE Select); coding-DNA position 5989, G replaced by A.
Protein change: p.Val1997Met; replaces valine 1997 with methionine.
Molecular consequence: missense variant.
Genome position (GRCh38, 1-based): chr12:78,188,711, G>A. VCF-style: chr12-78188711-G-A. GRCh37 (hg19) VCF-style: chr12-78582491-G-A.
Other names: c.5923G>A, p.Val1975Met (NM_014903.6); c.5989G>A (NM_001024383.1); short protein forms V1997M, V1975M.
Identifiers: ClinVar variation 2466881 (VCV002466881.4), dbSNP rs532036168, ClinGen allele CA239427657.